The following is an entry in ClinVar:

NM_052947.4(ALPK2):c.889C>T (p.Pro297Ser)

Genes: ALPK2 (alpha kinase 2; minus strand), LOC114803473 (ALPK2 eExon liver enhancer; plus strand). Cytogenetic location: 18q21.31.
Variant type: single nucleotide variant.
Coding change: c.889C>T on transcript NM_052947.4 (MANE Select); coding-DNA position 889, C replaced by T.
Protein change: p.Pro297Ser; replaces proline 297 with serine.
Molecular consequence: missense variant.
Genome position (GRCh38, 1-based): chr18:58,579,887, G>A on the plus strand (C>T on the coding strand, the complement: ALPK2 is on the minus strand). VCF-style: chr18-58579887-G-A. GRCh37 (hg19) VCF-style: chr18-56247119-G-A.
Other names: short protein forms P297S.
Identifiers: ClinVar variation 2564084 (VCV002564084.2), dbSNP rs2518899715, ClinGen allele CA402566896.

ClinVar aggregate classification (germline): Uncertain significance (1 of 4 stars; one submission).

Submission:

Ambry Genetics
Classification: Uncertain significance. Last evaluated: 2023-05-19. Review status: criteria provided, single submitter. Criteria: Ambry Variant Classification Scheme 2023. Collection method: clinical testing. Allele origin: germline.
Comment: The p.P297S variant (also known as c.889C>T), located in coding exon 3 of the ALPK2 gene, results from a C to T substitution at nucleotide position 889. The proline at codon 297 is replaced by serine, an amino acid with similar properties. This amino acid position is conserved. In addition, this alteration is predicted to be tolerated by in silico analysis. Since supporting evidence is limited at this time, the clinical significance of this alteration remains unclear.